The following is an entry in ClinVar:

ClinVar aggregate classification (germline): Uncertain significance (1 of 4 stars; one submission).

Submission:

Labcorp Genetics (formerly Invitae), Labcorp
Classification: Uncertain significance. Last evaluated: 2024-01-21. Review status: criteria provided, single submitter. Criteria: Invitae Variant Classification Sherloc (09022015). Collection method: clinical testing. Allele origin: germline.
Comment: This sequence change replaces proline, which is neutral and non-polar, with histidine, which is basic and polar, at codon 846 of the EPHB4 protein (p.Pro846His). This variant is not present in population databases (gnomAD no frequency). This variant has not been reported in the literature in individuals affected with EPHB4-related conditions. Advanced modeling of protein sequence and biophysical properties (such as structural, functional, and spatial information, amino acid conservation, physicochemical variation, residue mobility, and thermodynamic stability) performed at Invitae indicates that this missense variant is expected to disrupt EPHB4 protein function with a positive predictive value of 80%. In summary, the available evidence is currently insufficient to determine the role of this variant in disease. Therefore, it has been classified as a Variant of Uncertain Significance.

NM_004444.5(EPHB4):c.2537C>A (p.Pro846His)

Genes: EPHB4 (EPH receptor B4; minus strand), LOC126860124 (CDK7 strongly-dependent group 2 enhancer GRCh37_chr7:100403701-100404900; plus strand). Cytogenetic location: 7q22.1.
Variant type: single nucleotide variant.
Coding change: c.2537C>A on transcript NM_004444.5 (MANE Select); coding-DNA position 2537, C replaced by A.
Protein change: p.Pro846His; replaces proline 846 with histidine.
Molecular consequence: missense variant.
Genome position (GRCh38, 1-based): chr7:100,805,642, G>T on the plus strand (C>A on the coding strand, the complement: EPHB4 is on the minus strand). VCF-style: chr7-100805642-G-T. GRCh37 (hg19) VCF-style: chr7-100403264-G-T.
Other names: short protein forms P846H.
Identifiers: ClinVar variation 2702597 (VCV002702597.3), dbSNP rs2116414197, ClinGen allele CA368567074.
Genomic context (GRCh38, chr7:100,805,642, plus strand): 5'-CGGGGCCGGGCATTCCGGTCTTTCTGCCAACAGTCCAGCATGAGCTGGTGGAGGGAGGTG[G>T]GACAGTCTGGGGGCGGGGGCAGCCGGTAGTCCTGTTCAATGGCATTGATCACCTGGAAAG-3'
Protein context (NP_004435.3, residues 836-856): DYRLPPPPDC[Pro846His]TSLHQLMLDC